The following is an entry in ClinVar:

ClinVar aggregate classification (germline): Likely benign. Review status: criteria provided, multiple submitters, no conflicts (2 of 4 stars). 2 submissions from 2 submitters: Likely benign (2). Last evaluated 2026-05-29.

Conditions:
Gastrointestinal stromal tumor. Also called: Gastrointestinal stromal tumor, somatic; Gastrointestinal stroma tumor. Identifiers: Orphanet 44890, MedGen C0238198, MeSH D046152, MONDO:0011719, OMIM 606764, HP:0100723.

gnomAD v4.1: 5 of 1,602,822 alleles (0.00031%); highest among the groups gnomAD compares: East Asian, 0.0045%; no homozygotes.

Submissions (2):

Myriad Genetics, Inc.
Classification: Likely benign for Gastrointestinal stromal tumor. Last evaluated: 2026-05-29. Review status: criteria provided, single submitter. Criteria: Myriad Autosomal Dominant, Autosomal Recessive and X-Linked Classification Criteria (2023). Collection method: clinical testing. Allele origin: unknown.
Comment: This variant is considered likely benign. This variant is intronic and is not expected to impact mRNA splicing.

Labcorp Genetics (formerly Invitae), Labcorp
Classification: Likely benign for Gastrointestinal stromal tumor. Last evaluated: 2024-08-19. Review status: criteria provided, single submitter. Criteria: Invitae Variant Classification Sherloc (09022015). Collection method: clinical testing. Allele origin: germline.

NM_000222.3(KIT):c.2142-11A>G

Gene: KIT (KIT proto-oncogene, receptor tyrosine kinase; plus strand). Cytogenetic location: 4q12.
Variant type: single nucleotide variant.
Coding change: c.2142-11A>G on transcript NM_000222.3 (MANE Select); 11 bases into the intron before coding-DNA position 2142, A replaced by G.
Molecular consequence: intron variant.
Genome position (GRCh38, 1-based): chr4:54,731,317, A>G. VCF-style: chr4-54731317-A-G. GRCh37 (hg19) VCF-style: chr4-55597483-A-G.
Other names: c.2145-11A>G (NM_001385284.1); c.2145-14A>G (NM_001385290.1); c.2133-11A>G (NM_001385288.1); c.2133-14A>G (NM_001385292.1); c.2142-14A>G (NM_001385285.1); c.2130-11A>G (NM_001093772.2); c.2130-14A>G (NM_001385286.1).
Identifiers: ClinVar variation 1609642 (VCV001609642.9), dbSNP rs1722580438, ClinGen allele CA1458742299.